The following is an entry in ClinVar:

NM_001127178.3(PIGG):c.571del

Gene: PIGG (phosphatidylinositol glycan anchor biosynthesis class G (EMM blood group); plus strand). Cytogenetic location: 4p16.3.
Variant type: Deletion.
Coding change: c.571del on transcript NM_001127178.3 (MANE Select); coding-DNA position 571, one base deleted (G; older notation c.571delG).
Molecular consequence: splice acceptor variant. On other transcripts: intron variant (1).
Genome position (GRCh38, 1-based): chr4:507,405, G deleted; the last of 2 consecutive G bases (chr4:507,404-507,405); deleting either gives the same sequence. VCF-style (leftmost placement, unchanged base first): chr4-507403-AG-A. GRCh37 (hg19) VCF-style: chr4-501192-AG-A.
Other names: c.361-1424del (NM_001289052.2).
Identifiers: ClinVar variation 1459106 (VCV001459106.48), dbSNP rs1553880098, ClinGen allele CA549110897.

ClinVar aggregate classification (germline): Pathogenic. Review status: criteria provided, single submitter (1 of 4 stars). 3 submissions from 3 submitters: Pathogenic (1). 2 of the submissions do not count toward it. Last evaluated 2021-08-29.

Conditions:
Intellectual disability, autosomal recessive 53 (NEDHSCA). Also called: NEURODEVELOPMENTAL DISORDER WITH OR WITHOUT HYPOTONIA, SEIZURES, AND CEREBELLAR ATROPHY; GLYCOSYLPHOSPHATIDYLINOSITOL BIOSYNTHESIS DEFECT 13; Mental retardation, autosomal recessive 53. Identifiers: Orphanet 488635, MedGen C4310794, MONDO:0014832, OMIM 616917.

Submissions (3):

Labcorp Genetics (formerly Invitae), Labcorp
Classification: Pathogenic for Intellectual disability, autosomal recessive 53. Last evaluated: 2021-08-29. Review status: criteria provided, single submitter. Criteria: Invitae Variant Classification Sherloc (09022015). Collection method: clinical testing. Allele origin: germline.
Comment: This sequence change creates a premature translational stop signal (p.Val191Trpfs*13) in the PIGG gene. It is expected to result in an absent or disrupted protein product. Loss-of-function variants in PIGG are known to be pathogenic (PMID: 26996948, 28581210, 28771251). This variant is not present in population databases (ExAC no frequency). This variant has not been reported in the literature in individuals affected with PIGG-related conditions. Algorithms developed to predict the effect of sequence changes on RNA splicing suggest that this variant may disrupt the consensus splice site. For these reasons, this variant has been classified as Pathogenic.

Molecular Genetics Laboratory, BC Children's and BC Women's Hospitals
Classification: Likely pathogenic for Intellectual disability, autosomal recessive 53. Last evaluated: 2025-01-15. Review status: no assertion criteria provided. Criteria: ACMG Guidelines, 2015. Collection method: clinical testing. Allele origin: maternal. Affected: yes. Not counted in ClinVar's aggregate classification.

Hong-Tao Li Lab, Institute of Brain Science and Brain-inspired Research, Shandong First Medical University & Shandong Academy of Medical Sciences China
Classification: Likely pathogenic for Intellectual disability, autosomal recessive 53. Review status: no assertion criteria provided. Collection method: research. Allele origin: germline. Inheritance: Autosomal recessive inheritance. Affected: yes. Observed: 1 variant allele, 1 homozygote. Not counted in ClinVar's aggregate classification.
Comment: Observed in affected individuals from a Pakistani neurodevelopmental-disorder research cohort of 263 individuals. Classification assigned using the ACMG/AMP framework. Population-frequency evidence: gnomAD AF 2.491e-06.

Literature cited by the submitters: PubMed 26996948 (cited by Labcorp Genetics (formerly Invitae), Labcorp); PubMed 28581210 (cited by Labcorp Genetics (formerly Invitae), Labcorp); PubMed 28771251 (cited by Labcorp Genetics (formerly Invitae), Labcorp).